The following is an entry in ClinVar:

ClinVar aggregate classification (germline): Pathogenic (1 of 4 stars; one submission).

Conditions:
Joubert syndrome. Also called: CEREBELLOPARENCHYMAL DISORDER IV; JOUBERT-BOLTSHAUSER SYNDROME; Familial aplasia of the vermis. Identifiers: Orphanet 475, MedGen C5979921, MONDO:0018772.
Meckel-Gruber syndrome. Also called: DYSENCEPHALIA SPLANCHNOCYSTICA; GRUBER SYNDROME; Dysencephalia splachnocystica. Identifiers: Orphanet 564, MedGen C0265215, MONDO:0018921.

Submission:

Labcorp Genetics (formerly Invitae), Labcorp
Classification: Pathogenic for Joubert syndrome; Meckel-Gruber syndrome. Last evaluated: 2025-11-12. Review status: criteria provided, single submitter. Criteria: Invitae Variant Classification Sherloc (09022015). Collection method: clinical testing. Allele origin: germline.
Comment: This sequence change creates a premature translational stop signal (p.Lys76*) in the RPGRIP1L gene. It is expected to result in an absent or disrupted protein product. Loss-of-function variants in RPGRIP1L are known to be pathogenic (PMID: 17558409). This variant is not present in population databases (gnomAD no frequency). This variant has not been reported in the literature in individuals affected with RPGRIP1L-related conditions. ClinVar contains an entry for this variant (Variation ID: 1997505). For these reasons, this variant has been classified as Pathogenic.

Literature cited by the submitters: PubMed 17558409.

NM_015272.5(RPGRIP1L):c.225dup (p.Lys76Ter)

Gene: RPGRIP1L (RPGRIP1 like; minus strand). Cytogenetic location: 16q12.2.
Variant type: Duplication.
Coding change: c.225dup on transcript NM_015272.5 (MANE Select); coding-DNA position 225, one base duplicated (T; older notation c.225dupT).
Protein change: p.Lys76Ter; replaces lysine 76 with a stop codon.
Molecular consequence: nonsense.
Genome position (GRCh38, 1-based): chr16:53,696,156, A duplicated on the plus strand (T on the coding strand, the reverse complement: RPGRIP1L is on the minus strand); the first of 2 consecutive A bases (chr16:53,696,156-53,696,157); duplicating either gives the same sequence. VCF-style (leftmost placement, unchanged base first): chr16-53696155-T-TA. GRCh37 (hg19) VCF-style: chr16-53730067-T-TA.
Other names: c.225dup, p.Lys76Ter (NM_001127897.4, NM_001308334.3, NM_001328422.2 and 2 more transcripts); short protein forms K76*.
Identifiers: ClinVar variation 1997505 (VCV001997505.4), dbSNP rs2544752143, ClinGen allele CA2580091616.